The following is an entry in ClinVar:

ClinVar aggregate classification (germline): Uncertain significance. Review status: criteria provided, multiple submitters, no conflicts (2 of 4 stars). 4 submissions from 4 submitters: Uncertain significance (4). Last evaluated 2026-01-26.

Conditions:
GSDME-related disorder. Also called: GSDME-related condition.
Inborn genetic diseases. Identifiers: MedGen C0950123, MeSH D030342.

Allele frequency attached by ClinVar (database versions not stated): ExAC 0.00001; gnomAD exomes 0.00001; ESP Exome Variant Server 0.00008; TOPMed 0.00019.
gnomAD v4.1: 37 of 1,614,032 alleles (0.0023%); highest among the groups gnomAD compares: African/African-American, 0.027%; no homozygotes.

Submissions (4):

PreventionGenetics, part of Exact Sciences
Classification: Uncertain significance for GSDME-related condition. Last evaluated: 2026-01-26. Review status: criteria provided, single submitter. Criteria: ACMG Guidelines, 2015. Collection method: clinical testing. Allele origin: germline.
Comment: The GSDME c.956T>C variant is predicted to result in the amino acid substitution p.Phe319Ser. To our knowledge, this variant has not been reported in the literature. This variant is reported in 0.0080% of alleles in individuals of African descent in gnomAD. At this time, the clinical significance of this variant is uncertain due to the absence of conclusive functional and genetic evidence.

Labcorp Genetics (formerly Invitae), Labcorp
Classification: Uncertain significance. Last evaluated: 2024-12-13. Review status: criteria provided, single submitter. Criteria: Invitae Variant Classification Sherloc (09022015). Collection method: clinical testing. Allele origin: germline.
Comment: This sequence change replaces phenylalanine, which is neutral and non-polar, with serine, which is neutral and polar, at codon 319 of the DFNA5 protein (p.Phe319Ser). This variant is present in population databases (rs376722649, gnomAD 0.008%). This variant has not been reported in the literature in individuals affected with DFNA5-related conditions. ClinVar contains an entry for this variant (Variation ID: 3102841). Invitae Evidence Modeling of protein sequence and biophysical properties (such as structural, functional, and spatial information, amino acid conservation, physicochemical variation, residue mobility, and thermodynamic stability) indicates that this missense variant is not expected to disrupt DFNA5 protein function with a negative predictive value of 80%. In summary, the available evidence is currently insufficient to determine the role of this variant in disease. Therefore, it has been classified as a Variant of Uncertain Significance.

GeneDx
Classification: Uncertain significance. Last evaluated: 2024-05-31. Review status: criteria provided, single submitter. Criteria: GeneDx Variant Classification Process June 2021. Collection method: clinical testing. Allele origin: germline. Affected: yes.
Comment: In silico analysis supports that this missense variant does not alter protein structure/function; Has not been previously published as pathogenic or benign to our knowledge

Ambry Genetics
Classification: Uncertain significance for Inborn genetic diseases. Last evaluated: 2023-12-20. Review status: criteria provided, single submitter. Criteria: Ambry Variant Classification Scheme 2023. Collection method: clinical testing. Allele origin: germline.

NM_001127453.2(GSDME):c.956T>C (p.Phe319Ser)

Gene: GSDME (gasdermin E; minus strand). Cytogenetic location: 7p15.3.
Variant type: single nucleotide variant.
Coding change: c.956T>C on transcript NM_001127453.2 (MANE Select); coding-DNA position 956, T replaced by C.
Protein change: p.Phe319Ser; replaces phenylalanine 319 with serine.
Molecular consequence: missense variant.
Genome position (GRCh38, 1-based): chr7:24,708,161, A>G on the plus strand (T>C on the coding strand, the complement: GSDME is on the minus strand). VCF-style: chr7-24708161-A-G. GRCh37 (hg19) VCF-style: chr7-24747780-A-G.
Other names: c.956T>C, p.Phe319Ser (NM_004403.3); c.464T>C, p.Phe155Ser (NM_001127454.2); short protein forms F155S, F319S.
Identifiers: ClinVar variation 3102841 (VCV003102841.5), dbSNP rs376722649, ClinGen allele CA4191491.
Genomic context (GRCh38, chr7:24,708,161, plus strand): 5'-CTGCCTTGAGATGTCTCAGGGCTCACCACTGGTTCCAGGACCATGAGTAGTTCATCATCA[A>G]ATAGGACCGCCTGGAAGATGTCACTCAAAGCTGTCTGTTGTGGCTCAGGCAGCTCCGCAA-3'
Protein context (NP_001120925.1, residues 309-329): ALSDIFQAVL[Phe319Ser]DDELLMVLEP